The following is an entry in ClinVar:

NM_020366.4(RPGRIP1):c.535del (p.Glu179fs)

Gene: RPGRIP1 (RPGR interacting protein 1; plus strand). Cytogenetic location: 14q11.2.
Variant type: Deletion.
Coding change: c.535del on transcript NM_020366.4 (MANE Select); coding-DNA position 535, one base deleted (G; older notation c.535delG).
Protein change: p.Glu179fs; shifts the reading frame from glutamic acid 179.
Molecular consequence: frameshift variant.
Genome position (GRCh38, 1-based): chr14:21,302,532, G deleted; the last of 2 consecutive G bases (chr14:21,302,531-21,302,532); deleting either gives the same sequence. VCF-style (leftmost placement, unchanged base first): chr14-21302530-AG-A. GRCh37 (hg19) VCF-style: chr14-21770689-AG-A.
Other names: short protein forms E179fs.
Identifiers: ClinVar variation 5005292 (VCV005005292.2).

ClinVar aggregate classification (germline): Pathogenic (1 of 4 stars; one submission).

Conditions:
Leber congenital amaurosis 6 (LCA6). Identifiers: Orphanet 65, MedGen C1854260, MONDO:0013446, OMIM 613826.
Cone-rod dystrophy 13 (CORD13). Identifiers: Orphanet 1872, MedGen C2750720, MONDO:0011987, OMIM 608194.

Submission:

Juno Genomics, Hangzhou Juno Genomics, Inc
Classification: Pathogenic for Cone-rod dystrophy 13; Leber congenital amaurosis 6. Review status: criteria provided, single submitter. Criteria: ACMG Guidelines, 2015. Collection method: clinical testing. Allele origin: germline.
Comment: Absent from controls (or at extremely low frequency if recessive) in Genome Aggregation Database.;Null variant in a gene where loss of function (LOF) is a known mechanism of disease.;For recessive disorders, detected in trans with a pathogenic variant.